The following is an entry in ClinVar:

ClinVar aggregate classification (germline): Uncertain significance (1 of 4 stars; one submission).

Conditions:
Lymphatic malformation 6 (LMPHM6). Also called: GENERALIZED LYMPHATIC DYSPLASIA OF FOTIOU; Lymphedema, hereditary, III; PIEZO1-related generalized lymphatic dysplasia with non-immune hydrops fetalis. Identifiers: Orphanet 568062, MedGen C4225184, MONDO:0014797, OMIM 616843.

Submission:

Clinical Genomics Laboratory, Washington University in St. Louis
Classification: Uncertain significance for Lymphatic malformation 6. Last evaluated: 2025-11-04. Review status: criteria provided, single submitter. Criteria: ACMG Guidelines, 2015. Collection method: clinical testing. Allele origin: germline.
Comment: A PIEZO1 c.3640C>A (p.Leu1214Met) variant was identified at a near heterozygous allelic fraction of 49.5%, a frequency which may be consistent with it being of germline origin. The PIEZO1 c.3640C>A (p.Leu1214Met) variant, to our knowledge, has not been reported in the medical literature. This variant is absent from the general population (gnomAD v4.1.0), indicating it is not a common variant. Computational predictors suggest that the variant does not impact PIEZO1 function. Due to limited information, and based on ACMG/AMP guidelines for variant interpretation (Richards S et al., PMID: 25741868), the clinical significance of this variant is uncertain at this time.

NM_001142864.4(PIEZO1):c.3640C>A (p.Leu1214Met)

Gene: PIEZO1 (piezo type mechanosensitive ion channel component 1 (Er blood group); minus strand). Cytogenetic location: 16q24.3.
Variant type: single nucleotide variant.
Coding change: c.3640C>A on transcript NM_001142864.4 (MANE Select); coding-DNA position 3640, C replaced by A.
Protein change: p.Leu1214Met; replaces leucine 1214 with methionine.
Molecular consequence: missense variant.
Genome position (GRCh38, 1-based): chr16:88,726,774, G>T on the plus strand (C>A on the coding strand, the complement: PIEZO1 is on the minus strand). VCF-style: chr16-88726774-G-T. GRCh37 (hg19) VCF-style: chr16-88793182-G-T.
Other names: short protein forms L1214M.
Identifiers: ClinVar variation 4974677 (VCV004974677.1).